The following is an entry in ClinVar:

ClinVar aggregate classification (germline): Uncertain significance (1 of 4 stars; one submission).

Allele frequency attached by ClinVar (database versions not stated): TOPMed below 0.00001; gnomAD exomes 0.00001.
gnomAD v4.1: 11 of 1,614,058 alleles (0.00068%); highest among the groups gnomAD compares: South Asian, 0.0022%; no homozygotes.

Submission:

Labcorp Genetics (formerly Invitae), Labcorp
Classification: Uncertain significance. Last evaluated: 2023-11-18. Review status: criteria provided, single submitter. Criteria: Invitae Variant Classification Sherloc (09022015). Collection method: clinical testing. Allele origin: germline.
Comment: This sequence change replaces serine, which is neutral and polar, with leucine, which is neutral and non-polar, at codon 1388 of the SETBP1 protein (p.Ser1388Leu). This variant is present in population databases (no rsID available, gnomAD 0.003%). This variant has not been reported in the literature in individuals affected with SETBP1-related conditions. ClinVar contains an entry for this variant (Variation ID: 1430246). Advanced modeling of protein sequence and biophysical properties (such as structural, functional, and spatial information, amino acid conservation, physicochemical variation, residue mobility, and thermodynamic stability) performed at Invitae indicates that this missense variant is not expected to disrupt SETBP1 protein function with a negative predictive value of 80%. In summary, the available evidence is currently insufficient to determine the role of this variant in disease. Therefore, it has been classified as a Variant of Uncertain Significance.

NM_015559.3(SETBP1):c.4163C>T (p.Ser1388Leu)

Gene: SETBP1 (SET binding protein 1; plus strand). Cytogenetic location: 18q12.3.
Variant type: single nucleotide variant.
Coding change: c.4163C>T on transcript NM_015559.3 (MANE Select); coding-DNA position 4163, C replaced by T.
Protein change: p.Ser1388Leu; replaces serine 1388 with leucine.
Molecular consequence: missense variant.
Genome position (GRCh38, 1-based): chr18:45,038,647, C>T. VCF-style: chr18-45038647-C-T. GRCh37 (hg19) VCF-style: chr18-42618612-C-T.
Other names: c.4163C>T, p.Ser1388Leu (NM_001379141.1, NM_001379142.1); short protein forms S1388L.
Identifiers: ClinVar variation 1430246 (VCV001430246.8), dbSNP rs1217362969, ClinGen allele CA402482649.